The following is an entry in ClinVar:

ClinVar aggregate classification (germline): Uncertain significance (1 of 4 stars; one submission).

Conditions:
Hereditary breast ovarian cancer syndrome. Also called: Hereditary breast and ovarian cancer syndrome; Hereditary breast and/or ovarian cancer syndrome; Hereditary breast and ovarian cancer syndrome (HBOC); Breast and ovarian cancer; BRCA1- and BRCA2-Associated Hereditary Breast and Ovarian Cancer; Hereditary breast and ovarian cancer. Identifiers: Orphanet 145, MedGen C0677776, MeSH D061325, MONDO:0003582. Disease mechanism: loss of function.

Submission:

Labcorp Genetics (formerly Invitae), Labcorp
Classification: Uncertain significance for Hereditary breast and ovarian cancer syndrome. Last evaluated: 2019-07-29. Review status: criteria provided, single submitter. Criteria: Invitae Variant Classification Sherloc (09022015). Collection method: clinical testing. Allele origin: germline.
Comment: This variant results in a copy number gain of the genomic region encompassing exons 1-2 of the BRCA1 gene, which includes the initiator codon. The 5' end of this event is unknown as it extends beyond the assayed region for this gene and therefore may encompass additional genes. The 3' boundary is likely confined to intron 2 of the BRCA1 gene. As the precise location of this event is unknown, it may be in tandem or it may be located elsewhere in the genome. Similar copy number gains of exons 1-2 have been reported in multiple individuals affected with breast and ovarian cancer (PMID: 19894111, 23996866, 24686251). In summary, the available evidence is currently insufficient to determine the role of this variant in disease. Therefore, it has been classified as a Variant of Uncertain Significance.

Literature cited by the submitters: PubMed 24686251; PubMed 23996866; PubMed 19894111.

NC_000017.10:g.(?_41276016)_(41635727_?)dup

Genes: NBR2 (neighbor of BRCA1 lncRNA 2; plus strand), NBR1 (NBR1 autophagy cargo receptor; plus strand), ETV4 (ETS variant transcription factor 4; minus strand), TMEM106A (transmembrane protein 106A; plus strand), ARL4D (ARF like GTPase 4D; plus strand) and 2 more. Cytogenetic location: 17q21.31.
Variant type: Duplication.
Identifiers: ClinVar variation 584346 (VCV000584346.2).